The following is an entry in ClinVar:

NM_005751.5(AKAP9):c.10496T>C (p.Ile3499Thr)

Gene: AKAP9 (A-kinase anchoring protein 9; plus strand). Cytogenetic location: 7q21.2.
Variant type: single nucleotide variant.
Coding change: c.10496T>C on transcript NM_005751.5 (MANE Select); coding-DNA position 10496, T replaced by C.
Protein change: p.Ile3499Thr; replaces isoleucine 3499 with threonine.
Molecular consequence: missense variant.
Genome position (GRCh38, 1-based): chr7:92,097,683, T>C. VCF-style: chr7-92097683-T-C. GRCh37 (hg19) VCF-style: chr7-91726997-T-C.
Other names: c.5141T>C, p.Ile1714Thr (NM_001379277.1); c.10472T>C, p.Ile3491Thr (NM_147185.3); short protein forms I1714T, I3499T, I3491T.
Identifiers: ClinVar variation 4034153 (VCV004034153.1).

ClinVar aggregate classification (germline): Uncertain significance (1 of 4 stars; one submission).

Conditions:
Cardiovascular phenotype. Identifiers: MedGen CN230736.

Submission:

Ambry Genetics
Classification: Uncertain significance for Cardiovascular phenotype. Last evaluated: 2025-05-24. Review status: criteria provided, single submitter. Criteria: Ambry Variant Classification Scheme 2023. Collection method: clinical testing. Allele origin: germline.
Comment: The p.I3499T variant (also known as c.10496T>C), located in coding exon 42 of the AKAP9 gene, results from a T to C substitution at nucleotide position 10496. The isoleucine at codon 3499 is replaced by threonine, an amino acid with similar properties. This amino acid position is conserved. In addition, this alteration is predicted to be tolerated by in silico analysis. Based on the available evidence, the clinical significance of this variant remains unclear.